The following is an entry in ClinVar:

ClinVar aggregate classification (germline): Uncertain significance (1 of 4 stars; one submission).

Conditions:
Hereditary breast ovarian cancer syndrome. Also called: Hereditary breast and ovarian cancer; Hereditary breast and ovarian cancer syndrome (HBOC); Breast and ovarian cancer; Hereditary breast and ovarian cancer syndrome; Hereditary breast and/or ovarian cancer syndrome; BRCA1- and BRCA2-Associated Hereditary Breast and Ovarian Cancer. Identifiers: Orphanet 145, MedGen C0677776, MeSH D061325, MONDO:0003582. Disease mechanism: loss of function.

Submission:

Labcorp Genetics (formerly Invitae), Labcorp
Classification: Uncertain significance for Hereditary breast ovarian cancer syndrome. Last evaluated: 2023-07-15. Review status: criteria provided, single submitter. Criteria: Invitae Variant Classification Sherloc (09022015). Collection method: clinical testing. Allele origin: germline.
Comment: In summary, the available evidence is currently insufficient to determine the role of this variant in disease. Therefore, it has been classified as a Variant of Uncertain Significance. Algorithms developed to predict the effect of sequence changes on RNA splicing suggest that this variant may disrupt the consensus splice site. This variant has not been reported in the literature in individuals affected with BRCA2-related conditions. This variant is present in population databases (rs759009098, gnomAD 0.01%). This variant, c.7708_7716del, results in the deletion of 3 amino acid(s) of the BRCA2 protein (p.Lys2570_Ser2572del), but otherwise preserves the integrity of the reading frame.

NM_000059.4(BRCA2):c.7708_7716del (p.Lys2570_Ser2572del)

Gene: BRCA2 (BRCA2 DNA repair associated; plus strand). Cytogenetic location: 13q13.1.
Variant type: Deletion.
Coding change: c.7708_7716del on transcript NM_000059.4 (MANE Select); coding-DNA positions 7708 to 7716, 9 bases deleted (AAGGAAAGT; older notation c.7708_7716delAAGGAAAGT).
Protein change: p.Lys2570_Ser2572del.
Molecular consequence: inframe deletion. On other transcripts: non-coding transcript variant (1).
Genome position (GRCh38, 1-based): chr13:32,357,832-32,357,840, AAGGAAAGT deleted; deleting any 9 consecutive bases within chr13:32,357,830-32,357,840 gives the same sequence; the c. name uses the placement nearest the transcript's 3' end. VCF-style (leftmost placement, unchanged base first): chr13-32357829-GGTAAGGAAA-G. GRCh37 (hg19) VCF-style: chr13-32931966-GGTAAGGAAA-G.
Other names: c.7612_7620del, p.Lys2538_Ser2540del (NM_001406719.1); c.7708_7716del, p.Lys2570_Ser2572del (NM_001406720.1); c.2776_2784del, p.Lys926_Ser928del (NM_001406721.1); c.1291_1299del, p.Lys431_Ser433del (NM_001406722.1).
Identifiers: ClinVar variation 2961738 (VCV002961738.3), dbSNP rs759009098, ClinGen allele CA6941134.